The following is an entry in ClinVar:

NM_001297.5(CNGB1):c.1121+1G>A

Gene: CNGB1 (cyclic nucleotide gated channel subunit beta 1; minus strand). Cytogenetic location: 16q21.
Variant type: single nucleotide variant.
Coding change: c.1121+1G>A on transcript NM_001297.5 (MANE Select); the canonical splice donor site of the intron after coding-DNA position 1121, G replaced by A.
Molecular consequence: splice donor variant.
Genome position (GRCh38, 1-based): chr16:57,949,352, C>T on the plus strand (G>A on the coding strand, the complement: CNGB1 is on the minus strand). VCF-style: chr16-57949352-C-T. GRCh37 (hg19) VCF-style: chr16-57983256-C-T.
Other names: c.1103+1G>A (NM_001286130.2).
Identifiers: ClinVar variation 3002606 (VCV003002606.5), dbSNP rs754146758, ClinGen allele CA8083554.

ClinVar aggregate classification (germline): Likely pathogenic. Review status: criteria provided, multiple submitters, no conflicts (2 of 4 stars). 3 submissions from 3 submitters: Likely pathogenic (3). Last evaluated 2024-01-11.

Conditions:
CNGB1-related disorder. Also called: CNGB1-related condition.
Retinitis pigmentosa 45 (RP45). Identifiers: Orphanet 791, MedGen C3151066, MONDO:0013413, OMIM 613767.

Allele frequency attached by ClinVar (database versions not stated): ExAC 0.00001; gnomAD exomes 0.00001.
gnomAD v4.1: 3 of 1,610,124 alleles (0.00019%); highest among the groups gnomAD compares: Non-Finnish European, 0.00025%; no homozygotes.

Submissions (3):

Fulgent Genetics
Classification: Likely pathogenic for Retinitis pigmentosa 45. Last evaluated: 2024-01-11. Review status: criteria provided, single submitter. Criteria: ACMG Guidelines, 2015. Collection method: clinical testing. Allele origin: germline.

Labcorp Genetics (formerly Invitae), Labcorp
Classification: Likely pathogenic. Last evaluated: 2023-11-18. Review status: criteria provided, single submitter. Criteria: Invitae Variant Classification Sherloc (09022015). Collection method: clinical testing. Allele origin: germline.
Comment: This sequence change affects a donor splice site in intron 14 of the CNGB1 gene. It is expected to disrupt RNA splicing. Variants that disrupt the donor or acceptor splice site typically lead to a loss of protein function (PMID: 16199547), and loss-of-function variants in CNGB1 are known to be pathogenic (PMID: 15557452, 24043777). This variant is present in population databases (rs754146758, gnomAD 0.002%). This variant has not been reported in the literature in individuals affected with CNGB1-related conditions. Algorithms developed to predict the effect of sequence changes on RNA splicing suggest that this variant may disrupt the consensus splice site. In summary, the currently available evidence indicates that the variant is pathogenic, but additional data are needed to prove that conclusively. Therefore, this variant has been classified as Likely Pathogenic.

Blueprint Genetics
Classification: Likely pathogenic for CNGB1-related disorders. Last evaluated: 2021-04-15. Review status: criteria provided, single submitter. Criteria: ACMG Guidelines, 2015. Collection method: clinical testing. Allele origin: germline. Affected: yes. Observed: 1 variant allele.

Literature cited by the submitters: PubMed 16199547 (cited by Labcorp Genetics (formerly Invitae), Labcorp); PubMed 15557452 (cited by Labcorp Genetics (formerly Invitae), Labcorp); PubMed 24043777 (cited by Labcorp Genetics (formerly Invitae), Labcorp).